The following is an entry in ClinVar:

ClinVar aggregate classification (germline): Likely benign (0 of 4 stars; one submission).

Conditions:
KANK4-related disorder. Also called: KANK4-related condition.

Allele frequency attached by ClinVar (database versions not stated): TOPMed below 0.00001; gnomAD 0.00001; ExAC 0.00002; gnomAD exomes 0.00003.
gnomAD v4.1: 38 of 1,591,936 alleles (0.0024%); highest among the groups gnomAD compares: Non-Finnish European, 0.0032%; no homozygotes.

Submission:

PreventionGenetics, part of Exact Sciences
Classification: Likely benign for KANK4-related condition. Last evaluated: 2023-10-04. Review status: no assertion criteria provided. Collection method: clinical testing. Allele origin: germline.
Comment: This variant is classified as likely benign based on ACMG/AMP sequence variant interpretation guidelines (Richards et al. 2015 PMID: 25741868, with internal and published modifications).

NM_181712.5(KANK4):c.1901-5C>T

Gene: KANK4 (KN motif and ankyrin repeat domains 4; minus strand). Cytogenetic location: 1p31.3.
Variant type: single nucleotide variant.
Coding change: c.1901-5C>T on transcript NM_181712.5 (MANE Select); 5 bases into the intron before coding-DNA position 1901, C replaced by T.
Molecular consequence: intron variant.
Genome position (GRCh38, 1-based): chr1:62,271,594, G>A on the plus strand (C>T on the coding strand, the complement: KANK4 is on the minus strand). VCF-style: chr1-62271594-G-A. GRCh37 (hg19) VCF-style: chr1-62737266-G-A.
Other names: c.17-5C>T (NM_001320269.2).
Identifiers: ClinVar variation 3031675 (VCV003031675.2), dbSNP rs764845619, ClinGen allele CA884268.
Genomic context (GRCh38, chr1:62,271,594, plus strand): 5'-GAAGCCATAGTCTTTCTTTTTCATTATGGATTTAAGGCTGGTCGATGGGGAGATCTCTAG[G>A]CAGACACAACATCACAGGTTAGAATGATCTTGGGGATGCATGGGAATGTAGCAAAACCAG-3'